The following is an entry in ClinVar:

ClinVar aggregate classification (germline): Uncertain significance (1 of 4 stars; one submission).

Submission:

GeneDx
Classification: Uncertain significance. Last evaluated: 2024-10-01. Review status: criteria provided, single submitter. Criteria: GeneDx Variant Classification Process June 2021. Collection method: clinical testing. Allele origin: germline. Affected: yes.
Comment: Not observed at significant frequency in large population cohorts (gnomAD); Located in a region that tolerates variation and lacks pathogenic variants; Has not been previously published as pathogenic or benign to our knowledge; In silico analysis is inconclusive as to whether the variant alters gene splicing. In the absence of RNA/functional studies, the actual effect of this sequence change is unknown

NM_001379210.1(SLC25A26):c.569-10_569-8del

Gene: SLC25A26 (solute carrier family 25 member 26; plus strand). Cytogenetic location: 3p14.1.
Variant type: Microsatellite.
Coding change: c.569-10_569-8del on transcript NM_001379210.1 (MANE Select); 10 bases into the intron before coding-DNA position 569 through 8 bases into the intron before coding-DNA position 569, 3 bases deleted (ATT; older notation c.569-10_569-8delATT).
Molecular consequence: intron variant.
Genome position (GRCh38, 1-based): chr3:66,369,468-66,369,470, ATT deleted; deleting any 3 consecutive bases within chr3:66,369,464-66,369,470 gives the same sequence; the c. name uses the placement nearest the transcript's 3' end. VCF-style (leftmost placement, unchanged base first): chr3-66369463-GTAT-G. GRCh37 (hg19) VCF-style: chr3-66419887-GTAT-G.
Other names: c.569-10_569-8del (NM_173471.4, NM_001400705.1); c.305-10_305-8del (NM_001350993.1, NM_001164796.1, NM_001400711.1 and 1 more transcripts); c.524-10_524-8del (NM_001400707.1); c.260-10_260-8del (NM_001400714.1).
Identifiers: ClinVar variation 3776473 (VCV003776473.1).